The following is an entry in ClinVar:

NM_198529.4(EFCAB5):c.1271T>G (p.Leu424Arg)

Gene: EFCAB5 (EF-hand calcium binding domain 5; plus strand). Cytogenetic location: 17q11.2.
Variant type: single nucleotide variant.
Coding change: c.1271T>G on transcript NM_198529.4 (MANE Select); coding-DNA position 1271, T replaced by G.
Protein change: p.Leu424Arg; replaces leucine 424 with arginine.
Molecular consequence: missense variant. On other transcripts: non-coding transcript variant (1).
Genome position (GRCh38, 1-based): chr17:30,051,188, T>G. VCF-style: chr17-30051188-T-G. GRCh37 (hg19) VCF-style: chr17-28378206-T-G.
Other names: c.1103T>G, p.Leu368Arg (NM_001145053.2); short protein forms L368R, L424R.
Identifiers: ClinVar variation 3039183 (VCV003039183.2), dbSNP rs28504322, ClinGen allele CA8478756.

ClinVar aggregate classification (germline): Benign (0 of 4 stars; one submission).

Conditions:
EFCAB5-related disorder. Also called: EFCAB5-related condition.

Allele frequency attached by ClinVar (database versions not stated): gnomAD exomes 0.00064; ExAC 0.00202; ESP Exome Variant Server 0.00552; gnomAD 0.00638; 1000 Genomes Project 0.00639; 1000 Genomes Project 30x 0.00656; TOPMed 0.00722.
gnomAD v4.1: 1,932 of 1,614,008 alleles (0.12%); highest among the groups gnomAD compares: African/African-American, 2.3%; 15 homozygotes.

Submission:

PreventionGenetics, part of Exact Sciences
Classification: Benign for EFCAB5-related condition. Last evaluated: 2019-05-21. Review status: no assertion criteria provided. Collection method: clinical testing. Allele origin: germline.
Comment: This variant is classified as benign based on ACMG/AMP sequence variant interpretation guidelines (Richards et al. 2015 PMID: 25741868, with internal and published modifications).